The following is an entry in ClinVar:

ClinVar aggregate classification (germline): Uncertain significance (1 of 4 stars; one submission).

Conditions:
Autosomal recessive mendelian susceptibility to mycobacterial diseases due to complete RORgamma receptor deficiency. Also called: Immunodeficiency 42. Identifiers: Orphanet 477857, MedGen C5567647, MONDO:0014710, OMIM 616622.

Allele frequency attached by ClinVar (database versions not stated): gnomAD exomes 0.00001 and 0.00002; TOPMed 0.00001; gnomAD 0.00003; ExAC 0.00004.
gnomAD v4.1: 21 of 1,612,270 alleles (0.0013%); highest among the groups gnomAD compares: African/African-American, 0.004%; no homozygotes.

Submission:

Labcorp Genetics (formerly Invitae), Labcorp
Classification: Uncertain significance for Autosomal recessive mendelian susceptibility to mycobacterial diseases due to complete RORgamma receptor deficiency. Last evaluated: 2020-01-05. Review status: criteria provided, single submitter. Criteria: Invitae Variant Classification Sherloc (09022015). Collection method: clinical testing. Allele origin: germline.
Comment: This variant has not been reported in the literature in individuals with RORC-related conditions. This sequence change replaces arginine with tryptophan at codon 294 of the RORC protein (p.Arg294Trp). The arginine residue is weakly conserved and there is a moderate physicochemical difference between arginine and tryptophan. This variant is present in population databases (rs749576267, ExAC 0.01%). Algorithms developed to predict the effect of missense changes on protein structure and function are either unavailable or do not agree on the potential impact of this missense change (SIFT: "Deleterious"; PolyPhen-2: "Possibly Damaging"; Align-GVGD: "Class C0"). In summary, the available evidence is currently insufficient to determine the role of this variant in disease. Therefore, it has been classified as a Variant of Uncertain Significance.

NM_005060.4(RORC):c.880C>T (p.Arg294Trp)

Gene: RORC (RAR related orphan receptor C; minus strand). Cytogenetic location: 1q21.3.
Variant type: single nucleotide variant.
Coding change: c.880C>T on transcript NM_005060.4 (MANE Select); coding-DNA position 880, C replaced by T.
Protein change: p.Arg294Trp; replaces arginine 294 with tryptophan.
Molecular consequence: missense variant.
Genome position (GRCh38, 1-based): chr1:151,814,627, G>A on the plus strand (C>T on the coding strand, the complement: RORC is on the minus strand). VCF-style: chr1-151814627-G-A. GRCh37 (hg19) VCF-style: chr1-151787103-G-A.
Other names: c.817C>T, p.Arg273Trp (NM_001001523.2); short protein forms R273W, R294W.
Identifiers: ClinVar variation 1002461 (VCV001002461.8), dbSNP rs749576267, ClinGen allele CA1095819.
Genomic context (GRCh38, chr1:151,814,627, plus strand): 5'-GCCTCACCTTCCTCTGGTAGCCAGTCACTTCCTCCCGGGAGAAGATGTTGGAGCGCTGCC[G>A]CAGCAGGTCCTCCAGCCGCAGCTGGCATGTCTCCCTGTAGGACTTGCAGACGCTCTGCAC-3'
Protein context (NP_005051.2, residues 284-304): TCQLRLEDLL[Arg294Trp]QRSNIFSREE